The following is an entry in ClinVar:

NM_004984.4(KIF5A):c.2422C>T (p.Arg808Ter)

Gene: KIF5A (kinesin family member 5A; plus strand). Cytogenetic location: 12q13.3.
Variant type: single nucleotide variant.
Coding change: c.2422C>T on transcript NM_004984.4 (MANE Select); coding-DNA position 2422, C replaced by T.
Protein change: p.Arg808Ter; replaces arginine 808 with a stop codon.
Molecular consequence: nonsense.
Genome position (GRCh38, 1-based): chr12:57,578,069, C>T. VCF-style: chr12-57578069-C-T. GRCh37 (hg19) VCF-style: chr12-57971852-C-T.
Other names: c.2155C>T, p.Arg719Ter (NM_001354705.2); short protein forms R719*, R808*.
Identifiers: ClinVar variation 3707733 (VCV003707733.2).

ClinVar aggregate classification (germline): Pathogenic (1 of 4 stars; one submission).

Conditions:
Spastic paraplegia. Identifiers: MedGen C0037772, HP:0001258.

gnomAD v4.1: 1 of 1,614,012 alleles (0.000062%); highest among the groups gnomAD compares: Non-Finnish European, 0.000085%; no homozygotes.

Submission:

Labcorp Genetics (formerly Invitae), Labcorp
Classification: Pathogenic for Spastic paraplegia. Last evaluated: 2025-10-02. Review status: criteria provided, single submitter. Criteria: Invitae Variant Classification Sherloc (09022015). Collection method: clinical testing. Allele origin: germline.
Comment: This sequence change creates a premature translational stop signal (p.Arg808*) in the KIF5A gene. It is expected to result in an absent or disrupted protein product. Loss-of-function variants in KIF5A are known to be pathogenic (PMID: 26374131). This variant is not present in population databases (gnomAD no frequency). This variant has not been reported in the literature in individuals affected with KIF5A-related conditions. ClinVar contains an entry for this variant (Variation ID: 3707733). For these reasons, this variant has been classified as Pathogenic.

Literature cited by the submitters: PubMed 26374131.